The following is an entry in ClinVar:

NM_001261826.3(AP3D1):c.1129G>A (p.Val377Met)

Gene: AP3D1 (adaptor related protein complex 3 subunit delta 1; minus strand). Cytogenetic location: 19p13.3.
Variant type: single nucleotide variant.
Coding change: c.1129G>A on transcript NM_001261826.3 (MANE Select); coding-DNA position 1129, G replaced by A.
Protein change: p.Val377Met; replaces valine 377 with methionine.
Molecular consequence: missense variant.
Genome position (GRCh38, 1-based): chr19:2,121,284, C>T on the plus strand (G>A on the coding strand, the complement: AP3D1 is on the minus strand). VCF-style: chr19-2121284-C-T. GRCh37 (hg19) VCF-style: chr19-2121283-C-T.
Other names: c.1129G>A, p.Val377Met (NM_001374799.1, NM_003938.8); short protein forms V377M.
Identifiers: ClinVar variation 3719507 (VCV003719507.2).

ClinVar aggregate classification (germline): Uncertain significance (1 of 4 stars; one submission).

gnomAD v4.1: 57 of 1,614,062 alleles (0.0035%); highest among the groups gnomAD compares: Admixed American, 0.01%; no homozygotes.

Submission:

Labcorp Genetics (formerly Invitae), Labcorp
Classification: Uncertain significance. Last evaluated: 2024-02-17. Review status: criteria provided, single submitter. Criteria: Invitae Variant Classification Sherloc (09022015). Collection method: clinical testing. Allele origin: germline.
Comment: This sequence change replaces valine, which is neutral and non-polar, with methionine, which is neutral and non-polar, at codon 377 of the AP3D1 protein (p.Val377Met). This variant is present in population databases (rs769412492, gnomAD 0.009%). This variant has not been reported in the literature in individuals affected with AP3D1-related conditions. An algorithm developed to predict the effect of missense changes on protein structure and function (PolyPhen-2) suggests that this variant is likely to be disruptive. In summary, the available evidence is currently insufficient to determine the role of this variant in disease. Therefore, it has been classified as a Variant of Uncertain Significance.